The following is an entry in ClinVar:

ClinVar aggregate classification (germline): Likely pathogenic (0 of 4 stars; one submission).

Conditions:
RTEL1-related disorder. Also called: RTEL1-related condition; RTEL1-related disorders.

Submission:

PreventionGenetics, part of Exact Sciences
Classification: Likely pathogenic for RTEL1-related condition. Last evaluated: 2024-08-16. Review status: no assertion criteria provided. Collection method: clinical testing. Allele origin: germline.
Comment: The RTEL1 c.3181+1G>A variant is predicted to disrupt the GT donor site and interfere with normal splicing. To our knowledge, this variant has not been reported in the literature or in a large population database, indicating this variant is rare. Variants that disrupt the consensus splice donor site in RTEL1 are expected to be pathogenic. This variant is interpreted as likely pathogenic.

NM_001283009.2(RTEL1):c.3109+1G>A

Genes: RTEL1 (regulator of telomere elongation helicase 1; plus strand), RTEL1-TNFRSF6B (RTEL1-TNFRSF6B readthrough (NMD candidate); plus strand). Cytogenetic location: 20q13.33.
Variant type: single nucleotide variant.
Coding change: c.3109+1G>A on transcript NM_001283009.2 (MANE Select); the canonical splice donor site of the intron after coding-DNA position 3109, G replaced by A.
Molecular consequence: splice donor variant.
Genome position (GRCh38, 1-based): chr20:63,694,489, G>A. VCF-style: chr20-63694489-G-A. GRCh37 (hg19) VCF-style: chr20-62325842-G-A.
Other names: c.2440+1G>A (NM_001283010.1); c.3181+1G>A (NM_032957.5); c.3109+1G>A (NM_016434.4).
Identifiers: ClinVar variation 3347851 (VCV003347851.1).